The following is an entry in ClinVar:

NM_002878.4(RAD51D):c.576+1G>T

Genes: RAD51D (RAD51 paralog D; minus strand), RAD51L3-RFFL (RAD51L3-RFFL readthrough; minus strand). Cytogenetic location: 17q12.
Variant type: single nucleotide variant.
Coding change: c.576+1G>T on transcript NM_002878.4 (MANE Select); the canonical splice donor site of the intron after coding-DNA position 576, G replaced by T.
Molecular consequence: splice donor variant.
Genome position (GRCh38, 1-based): chr17:35,106,385, C>A on the plus strand (G>T on the coding strand, the complement: RAD51D is on the minus strand). VCF-style: chr17-35106385-C-A. GRCh37 (hg19) VCF-style: chr17-33433404-C-A.
Other names: c.240+1G>T (NM_133629.3); c.636+1G>T (NM_001142571.2).
Identifiers: ClinVar variation 641144 (VCV000641144.11), dbSNP rs781161543, ClinGen allele CA399088492.

ClinVar aggregate classification (germline): Conflicting classifications of pathogenicity. Review status: criteria provided, conflicting classifications (1 of 4 stars). 6 submissions from 6 submitters: Pathogenic (1); Likely pathogenic (4); Uncertain significance (1). Last evaluated 2025-09-29.

Conditions:
Breast-ovarian cancer, familial, susceptibility to, 4. Identifiers: Orphanet 145, MedGen C3280345, MONDO:0013669, OMIM 614291.
Hereditary cancer-predisposing syndrome. Also called: Neoplastic Syndromes, Hereditary; Tumor predisposition; Hereditary Cancer Syndrome; Hereditary neoplastic syndrome. Identifiers: Orphanet 140162, MedGen C0027672, MeSH D009386, MONDO:0015356.

Submissions (6):

Ambry Genetics
Classification: Uncertain significance for Hereditary cancer-predisposing syndrome. Last evaluated: 2025-09-29. Review status: criteria provided, single submitter. Criteria: Ambry Variant Classification Scheme 2023. Collection method: clinical testing. Allele origin: germline.
Comment: The c.576+1G>T intronic variant results from a G to T substitution one nucleotide after coding exon 6 of the RAD51D gene. Based on internal structural analysis, this variant is anticipated to disrupt a region of known function (Ambry internal data). Alterations that disrupt the canonical splice site are expected to result in aberrant splicing. In silico splice site analysis predicts that this alteration will weaken the native splice donor site and may result in the creation or strengthening of a novel splice donor site. A resulting transcript is predicted to be in-frame and is not expected to trigger nonsense-mediated mRNA decay; although, direct evidence is unavailable (Ambry internal data). This nucleotide position is highly conserved in available vertebrate species. Based on the available evidence, the clinical significance of this variant remains unclear.

Quest Diagnostics Nichols Institute San Juan Capistrano
Classification: Likely pathogenic. Last evaluated: 2024-10-07. Review status: criteria provided, single submitter. Criteria: Quest Diagnostics criteria. Collection method: clinical testing. Allele origin: unknown.
Comment: The RAD51D c.576+1G>T variant disrupts a canonical splice-donor site and is predicted to result in the in-frame skipping of exon 6, which removes approximately 10% of the RAD51D protein and is expected to have an impact on protein function. To the best of our knowledge, this variant has not been reported in the published literature. However, this variant has been observed in individuals with breast cancer in our internal patient population. A different variant disrupting this splice site, c.576+1G>A, has also been identified in individuals with breast or ovarian cancer (PMIDs: 30927251 (2019), 29053726 (2017), 26261251 (2015)). The c.576+1G>T variant has not been reported in large, multi-ethnic general populations (Genome Aggregation Database). Based on the available information, this variant is classified as likely pathogenic.

Color Diagnostics, LLC DBA Color Health
Classification: Likely pathogenic for Hereditary cancer-predisposing syndrome. Last evaluated: 2024-06-18. Review status: criteria provided, single submitter. Criteria: ACMG Guidelines, 2015. Collection method: clinical testing. Allele origin: germline.
Comment: This variant causes a G to T nucleotide substitution at the +1 position of intron 6 of the RAD51D gene. Splice site prediction tools predict that this variant may have a significant impact on RNA splicing. Although this prediction has not been confirmed in published RNA studies, this variant is expected to result in an absent or disrupted protein product. This variant has not been reported in individuals affected with hereditary cancer in the literature. This variant has not been identified in the general population by the Genome Aggregation Database (gnomAD). A different variant occurring at the same position, c.576+1G>A, is known to be disease-causing (ClinVar variation ID: 371839). Loss of RAD51D function is a known mechanism of disease. Based on the available evidence, this variant is classified as Likely Pathogenic.

Labcorp Genetics (formerly Invitae), Labcorp
Classification: Pathogenic for Breast-ovarian cancer, familial, susceptibility to, 4. Last evaluated: 2024-04-29. Review status: criteria provided, single submitter. Criteria: Invitae Variant Classification Sherloc (09022015). Collection method: clinical testing. Allele origin: germline.
Comment: This sequence change affects a donor splice site in intron 6 of the RAD51D gene. It is expected to disrupt RNA splicing. Variants that disrupt the donor or acceptor splice site typically lead to a loss of protein function (PMID: 16199547), and loss-of-function variants in RAD51D are known to be pathogenic (PMID: 21822267). This variant is not present in population databases (gnomAD no frequency). Disruption of this splice site has been observed in individual(s) with breast and/or ovarian cancer (PMID: 22652533, 26261251, 30927251). It has also been observed to segregate with disease in related individuals. ClinVar contains an entry for this variant (Variation ID: 641144). Algorithms developed to predict the effect of sequence changes on RNA splicing suggest that this variant may disrupt the consensus splice site. For these reasons, this variant has been classified as Pathogenic.

Myriad Genetics, Inc.
Classification: Likely pathogenic for Breast-ovarian cancer, familial, susceptibility to, 4. Last evaluated: 2024-01-04. Review status: criteria provided, single submitter. Criteria: Myriad Autosomal Dominant, Autosomal Recessive and X-Linked Classification Criteria (2023). Collection method: clinical testing. Allele origin: unknown.
Comment: This variant is considered likely pathogenic. This variant occurs within a consensus splice junction and is predicted to result in abnormal mRNA splicing of either an out-of-frame exon or an in-frame exon necessary for protein stability and/or normal function.

Baylor Genetics
Classification: Likely pathogenic for Breast-ovarian cancer, familial, susceptibility to, 4. Last evaluated: 2022-12-16. Review status: criteria provided, single submitter. Criteria: ACMG Guidelines, 2015. Collection method: clinical testing. Allele origin: unknown.

Literature cited by the submitters: PubMed 16199547 (cited by Labcorp Genetics (formerly Invitae), Labcorp); PubMed 21822267 (cited by Labcorp Genetics (formerly Invitae), Labcorp); PubMed 22652533 (cited by Labcorp Genetics (formerly Invitae), Labcorp); PubMed 26261251 (cited by Labcorp Genetics (formerly Invitae), Labcorp); PubMed 30927251 (cited by Labcorp Genetics (formerly Invitae), Labcorp).